The following is an entry in ClinVar:

NM_000368.5(TSC1):c.2512A>G (p.Ser838Gly)

Gene: TSC1 (TSC complex subunit 1; minus strand). Cytogenetic location: 9q34.13.
Variant type: single nucleotide variant.
Coding change: c.2512A>G on transcript NM_000368.5 (MANE Select); coding-DNA position 2512, A replaced by G.
Protein change: p.Ser838Gly; replaces serine 838 with glycine.
Molecular consequence: missense variant.
Genome position (GRCh38, 1-based): chr9:132,900,828, T>C on the plus strand (A>G on the coding strand, the complement: TSC1 is on the minus strand). VCF-style: chr9-132900828-T-C. GRCh37 (hg19) VCF-style: chr9-135776215-T-C.
Other names: c.2509A>G, p.Ser837Gly (NM_001162426.2); c.2359A>G, p.Ser787Gly (NM_001162427.2); c.2149A>G, p.Ser717Gly (NM_001362177.2); c.2512A>G (NM_000368.4); short protein forms S717G, S787G, S837G, S838G.
Identifiers: ClinVar variation 1008468 (VCV001008468.10), dbSNP rs1845335475, ClinGen allele CA375370332.
Genomic context (GRCh38, chr9:132,900,828, plus strand): 5'-CCTCCCCAAGAACCAACAGCTGCCTGTTCAAGAACTCCATCTGCTGCTGGACCGACTCAC[T>C]GTTTGAGAGCTAACCAAAAAACATGAGCAAAGTGAAAAATCCGACGACATAAAACTAGCA-3'
Protein context (NP_000359.1, residues 828-848): LSQVSQKLSN[Ser838Gly]ESVQQQMEFL

ClinVar aggregate classification (germline): Uncertain significance. Review status: criteria provided, multiple submitters, no conflicts (2 of 4 stars). 2 submissions from 2 submitters: Uncertain significance (2). Last evaluated 2023-10-16.

Conditions:
Hereditary cancer-predisposing syndrome. Also called: Hereditary neoplastic syndrome; Neoplastic Syndromes, Hereditary; Tumor predisposition; Hereditary Cancer Syndrome. Identifiers: Orphanet 140162, MedGen C0027672, MeSH D009386, MONDO:0015356.
Tuberous sclerosis 1 (TSC1). Identifiers: Orphanet 805, MedGen C1854465, MONDO:0008612, OMIM 191100.

Submissions (2):

Labcorp Genetics (formerly Invitae), Labcorp
Classification: Uncertain significance for Tuberous sclerosis 1. Last evaluated: 2023-10-16. Review status: criteria provided, single submitter. Criteria: Invitae Variant Classification Sherloc (09022015). Collection method: clinical testing. Allele origin: germline.
Comment: This sequence change replaces serine, which is neutral and polar, with glycine, which is neutral and non-polar, at codon 838 of the TSC1 protein (p.Ser838Gly). This variant is not present in population databases (gnomAD no frequency). This variant has not been reported in the literature in individuals affected with TSC1-related conditions. ClinVar contains an entry for this variant (Variation ID: 1008468). Advanced modeling of protein sequence and biophysical properties (such as structural, functional, and spatial information, amino acid conservation, physicochemical variation, residue mobility, and thermodynamic stability) performed at Invitae indicates that this missense variant is not expected to disrupt TSC1 protein function. In summary, the available evidence is currently insufficient to determine the role of this variant in disease. Therefore, it has been classified as a Variant of Uncertain Significance.

Ambry Genetics
Classification: Uncertain significance for Hereditary cancer-predisposing syndrome. Last evaluated: 2022-11-25. Review status: criteria provided, single submitter. Criteria: Ambry Variant Classification Scheme 2023. Collection method: clinical testing. Allele origin: germline.
Comment: The p.S838G variant (also known as c.2512A>G), located in coding exon 18 of the TSC1 gene, results from an A to G substitution at nucleotide position 2512. The serine at codon 838 is replaced by glycine, an amino acid with similar properties. This amino acid position is conserved. In addition, the in silico prediction for this alteration is inconclusive. Since supporting evidence is limited at this time, the clinical significance of this alteration remains unclear.